The following is an entry in ClinVar:

NM_004629.2(FANCG):c.920T>G (p.Val307Gly)

Gene: FANCG (FA complementation group G; minus strand). Cytogenetic location: 9p13.3.
Variant type: single nucleotide variant.
Coding change: c.920T>G on transcript NM_004629.2 (MANE Select); coding-DNA position 920, T replaced by G.
Protein change: p.Val307Gly; replaces valine 307 with glycine.
Molecular consequence: missense variant.
Genome position (GRCh38, 1-based): chr9:35,076,728, A>C on the plus strand (T>G on the coding strand, the complement: FANCG is on the minus strand). VCF-style: chr9-35076728-A-C. GRCh37 (hg19) VCF-style: chr9-35076725-A-C.
Other names: short protein forms V307G.
Identifiers: ClinVar variation 1392893 (VCV001392893.8), dbSNP rs774982952, ClinGen allele CA373312757.

ClinVar aggregate classification (germline): Uncertain significance (1 of 4 stars; one submission).

Conditions:
Fanconi anemia (FA). Also called: Fanconi's anemia. Identifiers: Orphanet 84, MedGen C0015625, MeSH D005199, MONDO:0019391.

gnomAD v4.1: 18 of 1,614,180 alleles (0.0011%); highest among the groups gnomAD compares: East Asian, 0.0022%; no homozygotes.

Submission:

Labcorp Genetics (formerly Invitae), Labcorp
Classification: Uncertain significance for Fanconi anemia. Last evaluated: 2021-02-28. Review status: criteria provided, single submitter. Criteria: Invitae Variant Classification Sherloc (09022015). Collection method: clinical testing. Allele origin: germline.
Comment: This variant has not been reported in the literature in individuals with FANCG-related conditions. This sequence change replaces valine with glycine at codon 307 of the FANCG protein (p.Val307Gly). The valine residue is moderately conserved and there is a moderate physicochemical difference between valine and glycine. This variant is not present in population databases (ExAC no frequency). Algorithms developed to predict the effect of missense changes on protein structure and function (SIFT, PolyPhen-2, Align-GVGD) all suggest that this variant is likely to be tolerated, but these predictions have not been confirmed by published functional studies and their clinical significance is uncertain. Algorithms developed to predict the effect of sequence changes on RNA splicing suggest that this variant may create or strengthen a splice site, but this prediction has not been confirmed by published transcriptional studies. In summary, the available evidence is currently insufficient to determine the role of this variant in disease. Therefore, it has been classified as a Variant of Uncertain Significance.